The following is an entry in ClinVar:

ClinVar aggregate classification (germline): Uncertain significance. Review status: criteria provided, multiple submitters, no conflicts (2 of 4 stars). 5 submissions from 5 submitters: Uncertain significance (3). 2 of the submissions do not count toward it. Last evaluated 2024-09-15.

Conditions:
Amyotrophic lateral sclerosis type 1 (ALS1). Also called: AMYOTROPHIC LATERAL SCLEROSIS 1, FAMILIAL. Identifiers: Orphanet 803, MedGen C1862939, MONDO:0007103, OMIM 105400.
Perry syndrome. Also called: PARKINSONISM WITH ALVEOLAR HYPOVENTILATION AND MENTAL DEPRESSION. Identifiers: Orphanet 178509, MedGen C1868594, MONDO:0008201, OMIM 168605.
Neuronopathy, distal hereditary motor, type 7B. Also called: NEURONOPATHY, DISTAL HEREDITARY MOTOR, AUTOSOMAL DOMINANT 14; NEURONOPATHY, DISTAL HEREDITARY MOTOR, HARDING TYPE VIIB; NEUROPATHY, DISTAL HEREDITARY MOTOR, HARDING TYPE VIIB; NEUROPATHY, DISTAL HEREDITARY MOTOR, WITH VOCAL CORD PARALYSIS, HARDING TYPE VIIB; LOWER MOTOR NEURON DISEASE, DYNACTIN TYPE; HMN VIIB. Identifiers: Orphanet 139589, MedGen C1843315, MONDO:0011879, OMIM 607641.
Inborn genetic diseases. Identifiers: MedGen C0950123, MeSH D030342.
Amyotrophic lateral sclerosis, susceptibility to. Identifiers: MedGen C4016314.

Allele frequency attached by ClinVar (database versions not stated): gnomAD 0.00002; gnomAD exomes 0.00002 and 0.00003; TOPMed 0.00003; ExAC 0.00004.
gnomAD v4.1: 28 of 1,613,272 alleles (0.0017%); highest among the groups gnomAD compares: Non-Finnish European, 0.0023%; no homozygotes.

Submissions (5):

Labcorp Genetics (formerly Invitae), Labcorp
Classification: Uncertain significance for Amyotrophic lateral sclerosis type 1; Neuronopathy, distal hereditary motor, type 7B; Perry syndrome. Last evaluated: 2024-09-15. Review status: criteria provided, single submitter. Criteria: Invitae Variant Classification Sherloc (09022015). Collection method: clinical testing. Allele origin: germline.
Comment: This sequence change replaces arginine, which is basic and polar, with lysine, which is basic and polar, at codon 1101 of the DCTN1 protein (p.Arg1101Lys). This variant is present in population databases (rs121909345, gnomAD 0.006%). This missense change has been observed in individual(s) with amyotrophic lateral sclerosis and frontotemporal dementia (PMID: 16240349). ClinVar contains an entry for this variant (Variation ID: 8405). Invitae Evidence Modeling of protein sequence and biophysical properties (such as structural, functional, and spatial information, amino acid conservation, physicochemical variation, residue mobility, and thermodynamic stability) indicates that this missense variant is not expected to disrupt DCTN1 protein function with a negative predictive value of 80%. Experimental studies have shown that this missense change does not substantially affect DCTN1 function (PMID: 18812314, 23143281). In summary, the available evidence is currently insufficient to determine the role of this variant in disease. Therefore, it has been classified as a Variant of Uncertain Significance.

Women's Health and Genetics/Laboratory Corporation of America, LabCorp
Classification: Uncertain significance. Last evaluated: 2024-07-18. Review status: criteria provided, single submitter. Criteria: LabCorp Variant Classification Summary - May 2015. Collection method: clinical testing. Allele origin: germline.
Comment: Variant summary: DCTN1 c.3302G>A (p.Arg1101Lys) results in a conservative amino acid change in the encoded protein sequence. Four of five in-silico tools predict a benign effect of the variant on protein function. The variant allele was found at a frequency of 2.8e-05 in 249326 control chromosomes. The available data on variant occurrences in the general population are insufficient to allow any conclusion about variant significance. c.3302G>A has been reported in the literature as heterozygous genotype in individuals affected with DCTN1-Related amyotrophic lateral sclerosis and frontotemporal dementia (FTD) in two siblings in one family respectively (Munch_2005). These report(s) do not provide unequivocal conclusions about association of the variant with DCTN1-Related Disorders. At least one publication reports experimental evidence evaluating an impact on protein function, however, does not allow convincing conclusions about the variant effect (Stockmann_2013). The following publications have been ascertained in the context of this evaluation (PMID: 16240349, 23143281). ClinVar contains an entry for this variant (Variation ID: 8405). Based on the evidence outlined above, the variant was classified as uncertain significance.

Ambry Genetics
Classification: Uncertain significance for Inborn genetic diseases. Last evaluated: 2021-08-03. Review status: criteria provided, single submitter. Criteria: Ambry Variant Classification Scheme 2023. Collection method: clinical testing. Allele origin: germline.
Comment: The p.R1101K variant (also known as c.3302G>A), located in coding exon 28 of the DCTN1 gene, results from a G to A substitution at nucleotide position 3302. The arginine at codon 1101 is replaced by lysine, an amino acid with highly similar properties. This variant was identified in the heterozygous state in a pair of siblings, one of whom had amyotrophic lateral sclerosis (ALS) and one of whom had frontotemporal dementia (FTD) (M&uuml;nch C et al. Ann Neurol, 2005 Nov;58:777-80). In vitro experimental studies show that this alteration does not significantly impact protein function (Dixit R et al. J Biol Chem, 2008 Nov;283:33611-9; Stockmann M et al. J Neural Transm (Vienna), 2013 May;120:785-98). This amino acid position is well conserved in available vertebrate species; however, lysine is the reference amino acid in other vertebrate species. In addition, the in silico prediction for this alteration is inconclusive. Since supporting evidence is limited at this time, the clinical significance of this alteration remains unclear.

Inherited Neuropathy Consortium Ii, University Of Miami
Classification: Uncertain significance for Perry syndrome. Last evaluated: 2016-01-06. Review status: no assertion criteria provided. Collection method: literature only. Allele origin: germline. Affected: yes. Not counted in ClinVar's aggregate classification.

OMIM
Classification: risk factor for AMYOTROPHIC LATERAL SCLEROSIS, SUSCEPTIBILITY TO. Last evaluated: 2005-11-01. Review status: no assertion criteria provided. Collection method: literature only. Allele origin: germline. Not counted in ClinVar's aggregate classification.

Literature cited by the submitters: PubMed 16240349 (cited by 5 submitters); PubMed 18812314 (cited by Labcorp Genetics (formerly Invitae), Labcorp and Ambry Genetics); PubMed 23143281 (cited by 3 submitters).

NM_004082.5(DCTN1):c.3302G>A (p.Arg1101Lys)

Gene: DCTN1 (dynactin subunit 1; minus strand). Cytogenetic location: 2p13.1.
Variant type: single nucleotide variant.
Coding change: c.3302G>A on transcript NM_004082.5 (MANE Select); coding-DNA position 3302, G replaced by A.
Protein change: p.Arg1101Lys; replaces arginine 1101 with lysine.
Molecular consequence: missense variant. On other transcripts: non-coding transcript variant (1).
Genome position (GRCh38, 1-based): chr2:74,363,337, C>T on the plus strand (G>A on the coding strand, the complement: DCTN1 is on the minus strand). VCF-style: chr2-74363337-C-T. GRCh37 (hg19) VCF-style: chr2-74590464-C-T.
Other names: c.3227G>A, p.Arg1076Lys (NM_001135040.3); c.2885G>A, p.Arg962Lys (NM_001135041.3); c.3176G>A, p.Arg1059Lys (NM_001190836.2); c.3281G>A, p.Arg1094Lys (NM_001190837.2); c.3251G>A, p.Arg1084Lys (NM_001378991.1); c.3233G>A, p.Arg1078Lys (NM_001378992.1); c.2900G>A, p.Arg967Lys (NM_023019.4); short protein forms R1101K, R1059K, R967K, R1076K, R1094K, R962K, R1078K, R1084K.
Identifiers: ClinVar variation 8405 (VCV000008405.15), dbSNP rs121909345, ClinGen allele CA119589.